The following is an entry in ClinVar:

ClinVar aggregate classification (germline): Pathogenic. Review status: criteria provided, multiple submitters, no conflicts (2 of 4 stars). 3 submissions from 3 submitters: Pathogenic (2). 1 of the submissions does not count toward it. Last evaluated 2020-01-19.

Conditions:
Progeroid and marfanoid aspect-lipodystrophy syndrome. Also called: MARFANOID-PROGEROID SYNDROME; MARFAN-PROGEROID-LIPODYSTROPHY SYNDROME; Marfan lipodystrophy syndrome; MARFANOID-PROGEROID-LIPODYSTROPHY SYNDROME. Identifiers: Orphanet 300382, MedGen C4310796, MONDO:0014831, OMIM 616914.
Familial thoracic aortic aneurysm and aortic dissection (TAAD). Also called: Thoracic aortic aneurysms and dissections. Identifiers: Orphanet 91387, MedGen C4707243, MONDO:0019625.
Marfan syndrome (MFS). Also called: Marfan syndrome type 1; Marfan's syndrome; Marfan syndrome, classic; FBN1-Related Marfan Syndrome; MARFAN SYNDROME, TYPE I. Identifiers: Orphanet 284963, Orphanet 558, MedGen C0024796, MONDO:0007947, OMIM 154700.

Submissions (3):

Labcorp Genetics (formerly Invitae), Labcorp
Classification: Pathogenic for Marfan syndrome; Familial thoracic aortic aneurysm and aortic dissection. Last evaluated: 2020-01-19. Review status: criteria provided, single submitter. Criteria: Invitae Variant Classification Sherloc (09022015). Collection method: clinical testing. Allele origin: germline.
Comment: Disruption of this splice site has been observed in individual(s) with clinical features of marfanoid-progeroid-lipodystrophy syndrome (PMID: 21594993, 24613577, 24665001, 27087445). In at least one individual the variant was observed to be de novo. ClinVar contains an entry for this variant (Variation ID: 40245). Nucleotide substitutions within the consensus splice site are a relatively common cause of aberrant splicing (PMID: 17576681, 9536098). Experimental studies have shown that a variant in this splice site disrupts mRNA splicing (PMID: 24613577). For these reasons, this variant has been classified as Pathogenic. This variant is not present in population databases (ExAC no frequency). This sequence change affects a donor splice site in the last intron (intron 65) of the FBN1 gene. While this is not anticipated to result in nonsense mediated decay, it likely alters RNA splicing and results in a disrupted protein product.

Clinical Genetics Service, Universitary Hospital 12 de Octubre
Classification: Pathogenic for Marfan syndrome. Review status: criteria provided, single submitter. Criteria: ACMG Guidelines, 2015. Collection method: clinical testing. Allele origin: de novo. Affected: yes.

OMIM
Classification: Pathogenic for MARFANOID-PROGEROID-LIPODYSTROPHY SYNDROME. Last evaluated: 2011-04-01. Review status: no assertion criteria provided. Collection method: literature only. Allele origin: germline. Not counted in ClinVar's aggregate classification.

Literature cited by the submitters: PubMed 21594993 (cited by Labcorp Genetics (formerly Invitae), Labcorp and OMIM); PubMed 24613577 (cited by Labcorp Genetics (formerly Invitae), Labcorp); PubMed 24665001 (cited by Labcorp Genetics (formerly Invitae), Labcorp); PubMed 27087445 (cited by Labcorp Genetics (formerly Invitae), Labcorp and OMIM); PubMed 17576681 (cited by Labcorp Genetics (formerly Invitae), Labcorp); PubMed 9536098 (cited by Labcorp Genetics (formerly Invitae), Labcorp).

NM_000138.5(FBN1):c.8226+1G>T

Gene: FBN1 (fibrillin 1; minus strand). Cytogenetic location: 15q21.1.
Variant type: single nucleotide variant.
Coding change: c.8226+1G>T on transcript NM_000138.5 (MANE Select); the canonical splice donor site of the intron after coding-DNA position 8226, G replaced by T.
Molecular consequence: splice donor variant.
Genome position (GRCh38, 1-based): chr15:48,412,568, C>A on the plus strand (G>T on the coding strand, the complement: FBN1 is on the minus strand). VCF-style: chr15-48412568-C-A. GRCh37 (hg19) VCF-style: chr15-48704765-C-A.
Other names: IVS64DS, G-T, +1; c.8226+1G>T (NM_001406716.1).
Identifiers: ClinVar variation 40245 (VCV000040245.9), dbSNP rs398122833, ClinGen allele CA017633.